The following is an entry in ClinVar:

ClinVar aggregate classification (germline): Conflicting classifications of pathogenicity. Review status: criteria provided, conflicting classifications (1 of 4 stars). 10 submissions from 10 submitters: Pathogenic (1); Likely pathogenic (2); Uncertain significance (7). Last evaluated 2026-04-06.

Conditions:
CASR-related disorder. Also called: CASR-related condition.
Familial hypocalciuric hypercalcemia 1. Also called: Hypercalcemia, familial benign type 1. Identifiers: Orphanet 405, Orphanet 93372, MedGen C0342637, MONDO:0007791, OMIM 145980.
Neonatal severe primary hyperparathyroidism. Identifiers: Orphanet 417, MedGen C1832615, MONDO:0009397, OMIM 239200.
Autosomal dominant hypocalcemia 1 (HYPOC1). Also called: HYPOCALCEMIA, FAMILIAL. Identifiers: MedGen C3715128, MONDO:0011013, OMIM 601198.
Epilepsy, idiopathic generalized, susceptibility to, 8. Identifiers: MedGen C2752062, MONDO:0013032, OMIM 612899.
Familial hypocalciuric hypercalcemia (FHH). Also called: Familial benign hypercalcemia. Identifiers: Orphanet 405, MedGen C1809471, MONDO:0018458.
Nephrolithiasis/nephrocalcinosis. Identifiers: MedGen CN580796.

Allele frequency attached by ClinVar (database versions not stated): gnomAD exomes 0.00001 and below 0.00001; TOPMed 0.00001; ExAC 0.00001; gnomAD 0.00002.
gnomAD v4.1: 10 of 1,613,974 alleles (0.00062%); highest among the groups gnomAD compares: African/African-American, 0.0013%; no homozygotes.

Submissions (10):

Women's Health and Genetics/Laboratory Corporation of America, LabCorp
Classification: Likely pathogenic for Familial hypocalciuric hypercalcemia. Last evaluated: 2026-04-06. Review status: criteria provided, single submitter. Criteria: LabCorp Variant Classification Summary - May 2015. Collection method: clinical testing. Allele origin: germline.
Comment: Variant summary: CASR c.220A>C (p.Met74Leu) results in a conservative amino acid change in the encoded protein sequence. Algorithms developed to predict the effect of missense changes on protein structure and function are either unavailable or do not agree on the potential impact of this missense change. The variant allele was found at a frequency of 1.2e-05 in 251342 control chromosomes. c.220A>C has been observed in at-least three individuals with mildly increased serum calcium levels and Familial Hypocalciuric Hypercalcemia (Dershem_2020, Antony_2021, internal data). These data do not allow any conclusion about variant significance. At least two publications report experimental evidence evaluating an impact on protein function (Dershem_2020, Chang_2025), finding reduced expression of the mature protein, reduced plasma membrane localization and loss of response to extracellular calcium in HEK293 cells. The following publications have been ascertained in the context of this evaluation (PMID: 40664210, 32386559). ClinVar contains an entry for this variant (Variation ID: 463920). Based on the evidence outlined above, the variant was classified as likely pathogenic.

GeneDx
Classification: Likely pathogenic. Last evaluated: 2026-03-19. Review status: criteria provided, single submitter. Criteria: GeneDx Variant Classification Process June 2021. Collection method: clinical testing. Allele origin: germline.
Comment: Identified in an individual with slightly elevated serum calcium levels (PMID: 32386559); Published functional studies demonstrate reduced protein expression and plasma membrane localization/signaling (PMID: 40664210, 32386559); Not observed at significant frequency in large population cohorts (gnomAD); In silico analysis supports that this missense variant has a deleterious effect on protein structure/function; This variant is associated with the following publications: (PMID: Antony_2021_Abstract, 40664210, 32386559)

Labcorp Genetics (formerly Invitae), Labcorp
Classification: Pathogenic for Familial hypocalciuric hypercalcemia; Autosomal dominant hypocalcemia 1. Last evaluated: 2026-01-04. Review status: criteria provided, single submitter. Criteria: Invitae Variant Classification Sherloc (09022015). Collection method: clinical testing. Allele origin: germline.
Comment: This sequence change replaces methionine, which is neutral and non-polar, with leucine, which is neutral and non-polar, at codon 74 of the CASR protein (p.Met74Leu). This variant is present in population databases (rs745377913, gnomAD 0.002%). This missense change has been observed in individual(s) with clinical features of hypocalciuric hypercalcemia and/or hyperparathyroidism (internal data). Invitae Evidence Modeling of clinical and family history, age, sex, and reported ancestry of multiple individuals with this CASR variant has been performed. This variant is expected to be pathogenic with a positive predictive value of at least 99%. This is a validated machine learning model that incorporates the clinical features of 646,172 individuals referred to our laboratory for CASR testing. ClinVar contains an entry for this variant (Variation ID: 463920). An algorithm developed to predict the effect of missense changes on protein structure and function (PolyPhen-2) suggests that this variant is likely to be disruptive. Experimental studies have shown that this missense change affects CASR function (PMID: 32386559). For these reasons, this variant has been classified as Pathogenic.

ARUP Laboratories, Molecular Genetics and Genomics, ARUP Laboratories
Classification: Uncertain significance. Last evaluated: 2025-06-19. Review status: criteria provided, single submitter. Criteria: ARUP Molecular Germline Variant Investigation Process 2024. Collection method: clinical testing. Allele origin: germline.
Comment: The CASR c.220A>C; p.Met74Leu variant (rs745377913, ClinVar Variation ID: 463920) is reported in the literature in 2 individuals affected with hypocalciuric hypercalcemia (Dershem 2020, McAnto 2021). This variant is only observed on three alleles in the Genome Aggregation Database (v2.1.1), indicating it is not a common polymorphism. In vitro functional analyses in HEK293 demonstrate reduced expression and plasma membrane localization (Dershem 2020). Computational analyses are uncertain whether this variant is neutral or deleterious (REVEL: 0.299). Due to limited information, the clinical significance of this variant is uncertain at this time. References: Dershem R et al. Familial Hypocalciuric Hypercalcemia Type 1 and Autosomal-Dominant Hypocalcemia Type 1: Prevalence in a Large Healthcare Population. Am J Hum Genet. 2020 Jun 4;106(6):734-747. PMID: 32386559. McAnto Antony et al. Type 1 Familial Hypocalciuric Hypercalcemia Caused by p.M74L Variant in the Calcium Sensing Receptor (CASR) Gene, Journal of the Endocrine Society, Volume 5, Issue Supplement_1, April-May 2021, Page A230.

Ambry Genetics
Classification: Uncertain significance for Nephrolithiasis/nephrocalcinosis. Last evaluated: 2024-02-07. Review status: criteria provided, single submitter. Criteria: Ambry Variant Classification Scheme 2023. Collection method: clinical testing. Allele origin: germline.
Comment: The p.M74L variant (also known as c.220A>C), located in coding exon 2 of the CASR gene, results from an A to C substitution at nucleotide position 220. The methionine at codon 74 is replaced by leucine, an amino acid with highly similar properties. This amino acid position is highly conserved in available vertebrate species. In addition, the in silico prediction for this alteration is inconclusive. Since supporting evidence is limited at this time, the clinical significance of this alteration remains unclear.

Mayo Clinic Laboratories, Mayo Clinic
Classification: Uncertain significance. Last evaluated: 2023-11-15. Review status: criteria provided, single submitter. Criteria: ACMG Guidelines, 2015. Collection method: clinical testing. Allele origin: germline. Observed: 2 variant alleles.
Comment: PP2, PM2, PS4_moderate

PreventionGenetics, part of Exact Sciences
Classification: Uncertain significance for CASR-related condition. Last evaluated: 2023-08-15. Review status: criteria provided, single submitter. Criteria: ACMG Guidelines, 2015. Collection method: clinical testing. Allele origin: germline.
Comment: The CASR c.220A>C variant is predicted to result in the amino acid substitution p.Met74Leu. This variant was reported in an individual with elevated serum calcium levels, and in vitro experimental studies suggested this variant impacts protein function (Dershem et al 2020. PubMed ID: 32386559). This variant is reported in 0.0026% of alleles in individuals of European (non-Finnish) descent in gnomAD. An alternative nucleotide change affected the same amino acid (p.Met74Val) has been reported in individuals with hypercalcemia (Vargas-Poussou et al. 2016. PubMed ID: 26963950; Mouly et al. 2020. PubMed ID: 32347971 ). At this time, the clinical significance of this variant is uncertain due to the absence of conclusive functional and genetic evidence.

Genetic Services Laboratory, University of Chicago
Classification: Uncertain significance. Last evaluated: 2023-03-24. Review status: criteria provided, single submitter. Criteria: ACMG Guidelines, 2015. Collection method: clinical testing. Allele origin: germline. Affected: no.
Comment: DNA sequence analysis of the CASR gene demonstrated a sequence change, c.220A>C, in exon 3 that results in an amino acid change, p.Met74Leu. This sequence change has been previously described in an individual with slightly increased serum calcium levels (PMID: 32386559). Functional studies showed that this variant may have an impact on protein expression, plasma membrane localization (PMID: 32386559). This sequence change has been described in the gnomAD database with a global frequency of 0.001% (dbSNP rs745377913). The p.Met74Leu change affects a highly conserved amino acid residue located in a domain of the CASR protein that is known to be functional. In-silico pathogenicity prediction tools (SIFT, PolyPhen2, Align GVGD, REVEL) provide contradictory results for the p.Met74Leu substitution. Due to insufficient evidences and the lack of functional studies, the clinical significance of the p.Met74Leu change remains unknown at this time.

Fulgent Genetics
Classification: Uncertain significance for Familial hypocalciuric hypercalcemia 1; Neonatal severe primary hyperparathyroidism; Autosomal dominant hypocalcemia 1; Epilepsy, idiopathic generalized, susceptibility to, 8. Last evaluated: 2022-04-23. Review status: criteria provided, single submitter. Criteria: ACMG Guidelines, 2015. Collection method: clinical testing. Allele origin: unknown.

Athena Diagnostics
Classification: Uncertain significance. Last evaluated: 2017-09-27. Review status: criteria provided, single submitter. Criteria: Athena Diagnostics Criteria. Collection method: clinical testing. Allele origin: germline.

Literature cited by the submitters: PubMed 32386559 (cited by 3 submitters); PubMed 40664210 (cited by Women's Health and Genetics/Laboratory Corporation of America, LabCorp).

NM_000388.4(CASR):c.220A>C (p.Met74Leu)

Gene: CASR (calcium sensing receptor; plus strand). Cytogenetic location: 3q21.1.
Variant type: single nucleotide variant.
Coding change: c.220A>C on transcript NM_000388.4 (MANE Select); coding-DNA position 220, A replaced by C.
Protein change: p.Met74Leu; replaces methionine 74 with leucine.
Molecular consequence: missense variant.
Genome position (GRCh38, 1-based): chr3:122,257,115, A>C. VCF-style: chr3-122257115-A-C. GRCh37 (hg19) VCF-style: chr3-121975962-A-C.
Other names: p.Met74Leu; c.220A>C (NM_001178065.1); c.220A>C, p.Met74Leu (NM_001178065.2); short protein forms M74L.
Identifiers: ClinVar variation 463920 (VCV000463920.21), dbSNP rs745377913, ClinGen allele CA2569450.